The following is an entry in ClinVar:

NM_021614.4(KCNN2):c.940G>C (p.Gly314Arg)

Gene: KCNN2 (potassium calcium-activated channel subfamily N member 2; plus strand). Cytogenetic location: 5q22.3.
Variant type: single nucleotide variant.
Coding change: c.940G>C on transcript NM_021614.4 (MANE Select); coding-DNA position 940, G replaced by C.
Protein change: p.Gly314Arg; replaces glycine 314 with arginine.
Molecular consequence: missense variant. On other transcripts: non-coding transcript variant (1).
Genome position (GRCh38, 1-based): chr5:114,363,079, G>C. VCF-style: chr5-114363079-G-C. GRCh37 (hg19) VCF-style: chr5-113698776-G-C.
Other names: c.1138G>C, p.Gly380Arg (NM_001372233.1); short protein forms G314R, G380R.
Identifiers: ClinVar variation 2655646 (VCV002655646.24), dbSNP rs759730265, ClinGen allele CA360703602.
Genomic context (GRCh38, chr5:114,363,079, plus strand): 5'-TATGGAACCGGCGGCGGAGGCAGCACTGGAGGAGGCGGCGGCGGTGGCGGGAGCGGGCAC[G>C]GCAGCAGCAGTGGCACCAAGTCCAGCAAAAAGAAAAACCAGAACATCGGCTACAAGCTGG-3'
Protein context (NP_067627.3, residues 304-324): GGGGGGGSGH[Gly314Arg]SSSGTKSSKK

ClinVar aggregate classification (germline): Uncertain significance (1 of 4 stars; one submission).

gnomAD v4.1: 4 of 1,610,814 alleles (0.00025%); highest among the groups gnomAD compares: Non-Finnish European, 0.00034%; no homozygotes.

Submission:

CeGaT Center for Human Genetics Tuebingen
Classification: Uncertain significance. Last evaluated: 2023-01-01. Review status: criteria provided, single submitter. Criteria: CeGaT Center For Human Genetics Tuebingen Variant Classification Criteria Version 2. Collection method: clinical testing. Allele origin: germline. Affected: yes. Observed: 1 variant allele.
Comment: KCNN2: PM2